The following is an entry in ClinVar:

ClinVar aggregate classification (germline): Uncertain significance. Review status: criteria provided, multiple submitters, no conflicts (2 of 4 stars). 5 submissions from 5 submitters: Uncertain significance (5). Last evaluated 2025-05-05.

Conditions:
Hereditary cancer-predisposing syndrome. Also called: Hereditary Cancer Syndrome; Tumor predisposition; Neoplastic Syndromes, Hereditary; Hereditary neoplastic syndrome. Identifiers: Orphanet 140162, MedGen C0027672, MeSH D009386, MONDO:0015356.
Classic or attenuated familial adenomatous polyposis. Identifiers: MedGen CN372698, MONDO:0021057.
Familial adenomatous polyposis 1 (FAP1). Also called: FAMILIAL ADENOMATOUS POLYPOSIS 1, ATTENUATED; POLYPOSIS, ADENOMATOUS INTESTINAL. Identifiers: MedGen C2713442, MONDO:0021056, OMIM 175100. Disease mechanism: loss of function.

Allele frequency attached by ClinVar (database versions not stated): gnomAD exomes 0.00001; TOPMed 0.00001; ESP Exome Variant Server 0.00008.
gnomAD v4.1: 4 of 1,614,104 alleles (0.00025%); highest among the groups gnomAD compares: Non-Finnish European, 0.00034%; no homozygotes.

Submissions (5):

Color Diagnostics, LLC DBA Color Health
Classification: Uncertain significance for Hereditary cancer-predisposing syndrome. Last evaluated: 2025-05-05. Review status: criteria provided, single submitter. Criteria: ACMG Guidelines, 2015. Collection method: clinical testing. Allele origin: germline.
Comment: This missense variant replaces lysine with glutamic acid at codon 1363 of the APC protein. Computational prediction suggests that this variant may not impact protein structure and function. To our knowledge, functional studies have not been reported for this variant. This variant has not been reported in individuals affected with APC-related disorders in the literature. This variant has not been identified in the general population by the Genome Aggregation Database (gnomAD). The available evidence is insufficient to determine the role of this variant in disease conclusively. Therefore, this variant is classified as a Variant of Uncertain Significance.

Labcorp Genetics (formerly Invitae), Labcorp
Classification: Uncertain significance for Familial adenomatous polyposis 1. Last evaluated: 2024-11-25. Review status: criteria provided, single submitter. Criteria: Invitae Variant Classification Sherloc (09022015). Collection method: clinical testing. Allele origin: germline.
Comment: This sequence change replaces lysine, which is basic and polar, with glutamic acid, which is acidic and polar, at codon 1363 of the APC protein (p.Lys1363Glu). This variant is not present in population databases (gnomAD no frequency). This variant has not been reported in the literature in individuals affected with APC-related conditions. ClinVar contains an entry for this variant (Variation ID: 1013850). Invitae Evidence Modeling of protein sequence and biophysical properties (such as structural, functional, and spatial information, amino acid conservation, physicochemical variation, residue mobility, and thermodynamic stability) indicates that this missense variant is not expected to disrupt APC protein function with a negative predictive value of 95%. In summary, the available evidence is currently insufficient to determine the role of this variant in disease. Therefore, it has been classified as a Variant of Uncertain Significance.

Ambry Genetics
Classification: Uncertain significance for Hereditary cancer-predisposing syndrome. Last evaluated: 2024-11-19. Review status: criteria provided, single submitter. Criteria: Ambry Variant Classification Scheme 2023. Collection method: clinical testing. Allele origin: germline.
Comment: The p.K1363E variant (also known as c.4087A>G), located in coding exon 15 of the APC gene, results from an A to G substitution at nucleotide position 4087. The lysine at codon 1363 is replaced by glutamic acid, an amino acid with similar properties. This amino acid position is highly conserved in available vertebrate species. In addition, in silico predictors for this gene do not accurately predict pathogenicity. Missense alterations in APC are not a common cause of disease (Spier I et al. Genet Med. 2024 Feb;26(2):100992). Based on the available evidence, the clinical significance of this variant remains unclear.

GeneDx
Classification: Uncertain significance. Last evaluated: 2023-10-20. Review status: criteria provided, single submitter. Criteria: GeneDx Variant Classification Process June 2021. Collection method: clinical testing. Allele origin: germline. Affected: yes.
Comment: Not observed at significant frequency in large population cohorts (gnomAD); In silico analysis supports that this missense variant does not alter protein structure/function; Has not been previously published as pathogenic or benign to our knowledge; This variant is associated with the following publications: (PMID: 18199528)

All of Us Research Program, National Institutes of Health
Classification: Uncertain significance for Classic or attenuated familial adenomatous polyposis. Last evaluated: 2023-04-03. Review status: criteria provided, single submitter. Criteria: ACMG Guidelines, 2015. Collection method: clinical testing. Allele origin: germline. Inheritance: Autosomal dominant inheritance. Observed: 1 variant allele, 1 heterozygote.
Comment: This missense variant replaces lysine with glutamic acid at codon 1363 of the APC protein. Computational prediction suggests that this variant may not impact protein structure and function (internally defined REVEL score threshold <= 0.5, PMID: 27666373). To our knowledge, functional studies have not been reported for this variant. This variant has not been reported in individuals affected with APC-related disorders in the literature. This variant has not been identified in the general population by the Genome Aggregation Database (gnomAD). The available evidence is insufficient to determine the role of this variant in disease conclusively. Therefore, this variant is classified as a Variant of Uncertain Significance.

This study involves interpretation of variants in research participants for the purpose of population health screening. Participant phenotype was not available at the time of variant classification. Additional details can be found in publication PMID: 35346344, PMCID: PMC8962531

NM_000038.6(APC):c.4087A>G (p.Lys1363Glu)

Gene: APC (APC regulator of Wnt signaling pathway; plus strand). Cytogenetic location: 5q22.2.
Variant type: single nucleotide variant.
Coding change: c.4087A>G on transcript NM_000038.6 (MANE Select); coding-DNA position 4087, A replaced by G.
Protein change: p.Lys1363Glu; replaces lysine 1363 with glutamic acid.
Molecular consequence: missense variant.
Genome position (GRCh38, 1-based): chr5:112,839,681, A>G. VCF-style: chr5-112839681-A-G. GRCh37 (hg19) VCF-style: chr5-112175378-A-G.
Other names: c.3238A>G, p.Lys1080Glu (NM_001354906.2); c.4087A>G, p.Lys1363Glu (NM_001127510.3, NM_001354895.2); c.4033A>G, p.Lys1345Glu (NM_001127511.3); c.4141A>G, p.Lys1381Glu (NM_001354896.2); c.4117A>G, p.Lys1373Glu (NM_001354897.2); c.4012A>G, p.Lys1338Glu (NM_001354898.2); c.4003A>G, p.Lys1335Glu (NM_001354899.2); c.3964A>G, p.Lys1322Glu (NM_001354900.2); and 5 more; short protein forms K1080E, K1203E, K1237E, K1262E, K1272E, K1304E, K1322E, K1335E.
Identifiers: ClinVar variation 1013850 (VCV001013850.22), dbSNP rs370711075, ClinGen allele CA16030282.